The following is an entry in ClinVar:

ClinVar aggregate classification (germline): Uncertain significance (1 of 4 stars; one submission).

Conditions:
Inborn genetic diseases. Identifiers: MedGen C0950123, MeSH D030342.

Allele frequency attached by ClinVar (database versions not stated): TOPMed 0.00001; gnomAD exomes 0.00003.
gnomAD v4.1: 1 of 1,012,692 alleles (0.000099%); highest among the groups gnomAD compares: Admixed American, 0.0058%; no homozygotes.

Submission:

Ambry Genetics
Classification: Uncertain significance for Inborn genetic diseases. Last evaluated: 2022-07-07. Review status: criteria provided, single submitter. Criteria: Ambry Variant Classification Scheme 2023. Collection method: clinical testing. Allele origin: germline.
Comment: The c.709G>A (p.A237T) alteration is located in coding exon 7 of the CTNND2 gene. This alteration results from a G to A substitution at nucleotide position 709, causing the alanine (A) at amino acid position 237 to be replaced by a threonine (T). This allele was reported in one heterozygous individual in population-based cohorts in the Genome Aggregation Database (gnomAD); however, the CTNND2 c.709G>A alteration was flagged as a low confidence call in gnomAD. This amino acid position is well conserved in available vertebrate species. This missense alteration is located in a region that has a low rate of benign missense variation (Lek, 2016; Firth, 2009). This alteration is predicted to be tolerated by in silico analysis. Based on insufficient or conflicting evidence, the clinical significance of this alteration remains unclear.

NM_001332.4(CTNND2):c.709G>A (p.Ala237Thr)

Gene: CTNND2 (catenin delta 2; minus strand). Cytogenetic location: 5p15.2.
Variant type: single nucleotide variant.
Coding change: c.709G>A on transcript NM_001332.4 (MANE Select); coding-DNA position 709, G replaced by A.
Protein change: p.Ala237Thr; replaces alanine 237 with threonine.
Molecular consequence: missense variant. On other transcripts: intron variant (3).
Genome position (GRCh38, 1-based): chr5:11,385,133, C>T on the plus strand (G>A on the coding strand, the complement: CTNND2 is on the minus strand). VCF-style: chr5-11385133-C-T. GRCh37 (hg19) VCF-style: chr5-11385245-C-T.
Other names: c.436G>A, p.Ala146Thr (NM_001288715.1); c.-123+11898G>A (NM_001288717.2); c.167-20243G>A (NM_001364128.2, NM_001288716.1); short protein forms A146T, A237T.
Identifiers: ClinVar variation 986194 (VCV000986194.4), dbSNP rs1358615056, ClinGen allele CA359281921.